The following is an entry in ClinVar:

NM_020975.6(RET):c.1877A>T (p.Gln626Leu)

Gene: RET (ret proto-oncogene; plus strand). Cytogenetic location: 10q11.21.
Variant type: single nucleotide variant.
Coding change: c.1877A>T on transcript NM_020975.6 (MANE Select); coding-DNA position 1877, A replaced by T.
Protein change: p.Gln626Leu; replaces glutamine 626 with leucine.
Molecular consequence: missense variant.
Genome position (GRCh38, 1-based): chr10:43,113,673, A>T. VCF-style: chr10-43113673-A-T. GRCh37 (hg19) VCF-style: chr10-43609121-A-T.
Other names: c.1589A>T, p.Gln530Leu (NM_001406766.1, NM_001406767.1, NM_001406770.1); c.1748A>T, p.Gln583Leu (NM_001406768.1, NM_001406761.1, NM_001406762.1 and 1 more transcripts); c.1481A>T, p.Gln494Leu (NM_001406769.1, NM_001406772.1); c.1439A>T, p.Gln480Leu (NM_001406771.1, NM_001406773.1); c.1352A>T, p.Gln451Leu (NM_001406774.1); c.1151A>T, p.Gln384Leu (NM_001406775.1, NM_001406776.1, NM_001406777.1 and 1 more transcripts); c.1877A>T, p.Gln626Leu (NM_000323.2, NM_001406743.1, NM_001406744.1 and 6 more transcripts); c.1115A>T, p.Gln372Leu (NM_001355216.2); and 5 more; short protein forms Q143L, Q231L, Q284L, Q296L, Q327L, Q372L, Q384L, Q451L.
Identifiers: ClinVar variation 1719251 (VCV001719251.5), dbSNP rs2132832027, ClinGen allele CA376552865.
Genomic context (GRCh38, chr10:43,113,673, plus strand): 5'-ATGGCACCTGCAACTGCTTCCCTGAGGAGGAGAAGTGCTTCTGCGAGCCCGAAGACATCC[A>T]GGGTGAGTGGGTGGCGGCCGGGACCACCACCACCTCCCAGCCCCACAGAGGTCTCAACAG-3'
Protein context (NP_066124.1, residues 616-636): EKCFCEPEDI[Gln626Leu]DPLCDELCRT

ClinVar aggregate classification (germline): Uncertain significance (1 of 4 stars; one submission).

Conditions:
Multiple endocrine neoplasia, type 2 (MEN2). Identifiers: Orphanet 653, MedGen C4048306, MONDO:0019003. Disease mechanism: gain of function.

Submission:

Labcorp Genetics (formerly Invitae), Labcorp
Classification: Uncertain significance for Multiple endocrine neoplasia, type 2. Last evaluated: 2022-09-11. Review status: criteria provided, single submitter. Criteria: Invitae Variant Classification Sherloc (09022015). Collection method: clinical testing. Allele origin: germline.
Comment: In summary, the available evidence is currently insufficient to determine the role of this variant in disease. Therefore, it has been classified as a Variant of Uncertain Significance. Algorithms developed to predict the effect of missense changes on protein structure and function are either unavailable or do not agree on the potential impact of this missense change (SIFT: "Deleterious"; PolyPhen-2: "Benign"; Align-GVGD: "Class C15"). This variant has not been reported in the literature in individuals affected with RET-related conditions. This variant is not present in population databases (gnomAD no frequency). This sequence change replaces glutamine, which is neutral and polar, with leucine, which is neutral and non-polar, at codon 626 of the RET protein (p.Gln626Leu).